The following is an entry in ClinVar:

NM_000218.3(KCNQ1):c.1731A>G (p.Ser577=)

Gene: KCNQ1 (potassium voltage-gated channel subfamily Q member 1; plus strand). Cytogenetic location: 11p15.5.
Variant type: single nucleotide variant.
Coding change: c.1731A>G on transcript NM_000218.3 (MANE Select); coding-DNA position 1731, A replaced by G.
Protein change: p.Ser577=; no amino-acid change (serine 577 retained).
Molecular consequence: synonymous variant.
Genome position (GRCh38, 1-based): chr11:2,777,031, A>G. VCF-style: chr11-2777031-A-G. GRCh37 (hg19) VCF-style: chr11-2798261-A-G.
Other names: c.1635A>G, p.Ser545= (NM_001406836.1); c.1461A>G, p.Ser487= (NM_001406837.1); c.1191A>G, p.Ser397= (NM_001406838.1); c.1350A>G, p.Ser450= (NM_181798.2).
Identifiers: ClinVar variation 1303230 (VCV001303230.4), dbSNP rs2133990828, ClinGen allele CA472465335.

ClinVar aggregate classification (germline): Uncertain significance (1 of 4 stars; one submission).

Submission:

GeneDx
Classification: Uncertain significance. Last evaluated: 2019-09-24. Review status: criteria provided, single submitter. Criteria: GeneDx Variant Classification Process June 2021. Collection method: clinical testing. Allele origin: germline. Affected: yes.
Comment: Not observed in large population cohorts (Lek et al., 2016); In silico analysis, which includes protein predictors and evolutionary conservation, supports a deleterious effect; Has not been previously published as pathogenic or benign to our knowledge